The following is an entry in ClinVar:

NM_000179.3(MSH6):c.885A>T (p.Lys295Asn)

Gene: MSH6 (mutS homolog 6; plus strand). Cytogenetic location: 2p16.3.
Variant type: single nucleotide variant.
Coding change: c.885A>T on transcript NM_000179.3 (MANE Select); coding-DNA position 885, A replaced by T.
Protein change: p.Lys295Asn; replaces lysine 295 with asparagine.
Molecular consequence: missense variant. On other transcripts: 5 prime UTR variant (2).
Genome position (GRCh38, 1-based): chr2:47,798,868, A>T. VCF-style: chr2-47798868-A-T. GRCh37 (hg19) VCF-style: chr2-48026007-A-T.
Other names: c.717A>T, p.Lys239Asn (NM_001406826.1); c.588A>T, p.Lys196Asn (NM_001406827.1, NM_001406828.1, NM_001406830.1 and 10 more transcripts); c.-22A>T (NM_001406829.1, NM_001281493.2, NM_001281494.2 and 6 more transcripts); c.495A>T, p.Lys165Asn (NM_001281492.2); c.981A>T, p.Lys327Asn (NM_001406795.1, NM_001406802.1); c.885A>T, p.Lys295Asn (NM_001406796.1, NM_001406798.1, NM_001406800.1 and 4 more transcripts); c.360A>T, p.Lys120Asn (NM_001406799.1, NM_001406806.1, NM_001406807.1); c.807A>T, p.Lys269Asn (NM_001406804.1); and 1 more; short protein forms K239N, K120N, K295N, K196N, K269N, K327N, K165N, K297N.
Identifiers: ClinVar variation 2119554 (VCV002119554.4), dbSNP rs2530576108, ClinGen allele CA346740675.

ClinVar aggregate classification (germline): Uncertain significance (1 of 4 stars; one submission).

Conditions:
Hereditary nonpolyposis colorectal neoplasms. Identifiers: MedGen C0009405, MeSH D003123.

Submission:

Labcorp Genetics (formerly Invitae), Labcorp
Classification: Uncertain significance for Hereditary nonpolyposis colorectal neoplasms. Last evaluated: 2022-03-29. Review status: criteria provided, single submitter. Criteria: Invitae Variant Classification Sherloc (09022015). Collection method: clinical testing. Allele origin: germline.
Comment: In summary, the available evidence is currently insufficient to determine the role of this variant in disease. Therefore, it has been classified as a Variant of Uncertain Significance. Advanced modeling of protein sequence and biophysical properties (such as structural, functional, and spatial information, amino acid conservation, physicochemical variation, residue mobility, and thermodynamic stability) performed at Invitae indicates that this missense variant is not expected to disrupt MSH6 protein function. This variant has not been reported in the literature in individuals affected with MSH6-related conditions. This variant is not present in population databases (gnomAD no frequency). This sequence change replaces lysine, which is basic and polar, with asparagine, which is neutral and polar, at codon 295 of the MSH6 protein (p.Lys295Asn).